The following is an entry in ClinVar:

ClinVar aggregate classification (germline): Uncertain significance (1 of 4 stars; one submission).

Submission:

Labcorp Genetics (formerly Invitae), Labcorp
Classification: Uncertain significance. Last evaluated: 2022-04-04. Review status: criteria provided, single submitter. Criteria: Invitae Variant Classification Sherloc (09022015). Collection method: clinical testing. Allele origin: germline.
Comment: Experimental studies and prediction algorithms are not available or were not evaluated, and the functional significance of this variant is currently unknown. In summary, the available evidence is currently insufficient to determine the role of this variant in disease. Therefore, it has been classified as a Variant of Uncertain Significance. This variant has not been reported in the literature in individuals affected with LTBP4-related conditions. This sequence change replaces phenylalanine, which is neutral and non-polar, with leucine, which is neutral and non-polar, at codon 1223 of the LTBP4 protein (p.Phe1223Leu). This variant is not present in population databases (gnomAD no frequency).

NM_001042545.2(LTBP4):c.3577T>C (p.Phe1193Leu)

Gene: LTBP4 (latent transforming growth factor beta binding protein 4; plus strand). Cytogenetic location: 19q13.2.
Variant type: single nucleotide variant.
Coding change: c.3577T>C on transcript NM_001042545.2 (MANE Select); coding-DNA position 3577, T replaced by C.
Protein change: p.Phe1193Leu; replaces phenylalanine 1193 with leucine.
Molecular consequence: missense variant.
Genome position (GRCh38, 1-based): chr19:40,623,624, T>C. VCF-style: chr19-40623624-T-C. GRCh37 (hg19) VCF-style: chr19-41129529-T-C.
Other names: c.3778T>C, p.Phe1260Leu (NM_001042544.1); c.3667T>C, p.Phe1223Leu (NM_003573.2); short protein forms F1193L, F1223L, F1260L.
Identifiers: ClinVar variation 1922277 (VCV001922277.5), dbSNP rs2515386086, ClinGen allele CA405907884.